The following is an entry in ClinVar:

ClinVar aggregate classification (germline): Uncertain significance (1 of 4 stars; one submission).

Conditions:
Leber optic atrophy (LHON). Also called: Leber hereditary optic neuropathy; Leber's disease; Leber's optic atrophy; Optic Atrophy, Hereditary, Leber. Identifiers: Orphanet 104, MedGen C0917796, MONDO:0010788, OMIM 535000, HP:0001112.

Submission:

OLLIN Analises Genomicas, OLLIN
Classification: Uncertain significance for Leber optic atrophy. Last evaluated: 2026-08-06. Review status: criteria provided, single submitter. Criteria: ACMG Guidelines 2015 PMID 25741868. Collection method: clinical testing. Allele origin: germline.
Comment: This missense variant, located in exon 1 (of 1), is absent from gnomAD and ClinVar and has not been identified in the literature. In silico analysis is inconclusive regarding the impact of this variant. According to the currently available evidence, this variant has been classified as uncertain significance (PM2_P).

NC_012920.1(MT-ND2):m.5509T>G

Gene: MT-ND2 (mitochondrially encoded NADH dehydrogenase 2; plus strand).
Variant type: single nucleotide variant.
Genome position: chrM-5509-T-G.
Identifiers: ClinVar variation 5002745 (VCV005002745.1).